The following is an entry in ClinVar:

ClinVar aggregate classification (germline): Uncertain significance (1 of 4 stars; one submission).

Allele frequency attached by ClinVar (database versions not stated): gnomAD exomes below 0.00001; TOPMed below 0.00001.
gnomAD v4.1: 4 of 1,600,148 alleles (0.00025%); highest among the groups gnomAD compares: Middle Eastern, 0.017%; no homozygotes.

Submission:

GeneDx
Classification: Uncertain significance. Last evaluated: 2022-10-31. Review status: criteria provided, single submitter. Criteria: GeneDx Variant Classification Process June 2021. Collection method: clinical testing. Allele origin: germline. Affected: yes.
Comment: Not observed at significant frequency in large population cohorts (gnomAD); In silico analysis supports that this missense variant has a deleterious effect on protein structure/function; Has not been previously published as pathogenic or benign to our knowledge

NM_003047.5(SLC9A1):c.1556A>G (p.Asn519Ser)

Gene: SLC9A1 (solute carrier family 9 member A1; minus strand). Cytogenetic location: 1p36.11.
Variant type: single nucleotide variant.
Coding change: c.1556A>G on transcript NM_003047.5 (MANE Select); coding-DNA position 1556, A replaced by G.
Protein change: p.Asn519Ser; replaces asparagine 519 with serine.
Molecular consequence: missense variant. On other transcripts: non-coding transcript variant (1).
Genome position (GRCh38, 1-based): chr1:27,103,242, T>C on the plus strand (A>G on the coding strand, the complement: SLC9A1 is on the minus strand). VCF-style: chr1-27103242-T-C. GRCh37 (hg19) VCF-style: chr1-27429733-T-C.
Other names: short protein forms N519S.
Identifiers: ClinVar variation 2500670 (VCV002500670.1), dbSNP rs866445773, ClinGen allele CA19836356.